The following is an entry in ClinVar:

NM_007294.4(BRCA1):c.4022delinsGGACC (p.Val1341fs)

Genes: BRCA1 (BRCA1 DNA repair associated; minus strand), LOC126862571 (BRD4-independent group 4 enhancer GRCh37_chr17:41243136-41244335; plus strand). Cytogenetic location: 17q21.31.
Variant type: Indel.
Coding change: c.4022delinsGGACC on transcript NM_007294.4 (MANE Select); coding-DNA position 4022, T replaced by GGACC.
Protein change: p.Val1341fs; shifts the reading frame from valine 1341.
Molecular consequence: frameshift variant. On other transcripts: intron variant (135).
Genome position (GRCh38, 1-based): chr17:43,091,509, A replaced by GGTCC on the plus strand (T replaced by GGACC on the coding strand, the reverse complement: BRCA1 is on the minus strand). VCF-style: chr17-43091509-A-GGTCC. GRCh37 (hg19) VCF-style: chr17-41243526-A-GGTCC.
Other names: c.3944delinsGGACC, p.Val1315fs (NM_001407656.1, NM_001407663.1, NM_001407657.1 and 4 more transcripts); c.788-477delinsGGACC (NM_001407976.1, NM_001407980.1, NM_001407993.1 and 17 more transcripts); c.584-477delinsGGACC (NM_001408475.1); c.452-477delinsGGACC (NM_001408509.1, NM_001408508.1); c.575-477delinsGGACC (NM_001408491.1, NM_001408493.1, NM_001408490.1); c.461-477delinsGGACC (NM_001408506.1, NM_001408507.1); c.578-477delinsGGACC (NM_001408481.1, NM_001408480.1, NM_001408492.1 and 9 more transcripts); c.653-477delinsGGACC (NM_001408451.1); and 42 more; short protein forms V1294fs, V1341fs, V1173fs, V1213fs, V1214fs, V1270fs, V1338fs, V1340fs.
Identifiers: ClinVar variation 923630 (VCV000923630.5), dbSNP rs2053483189, ClinGen allele CA1139665608.

ClinVar aggregate classification (germline): Pathogenic/Likely pathogenic. Review status: criteria provided, multiple submitters, no conflicts (2 of 4 stars). 2 submissions from 2 submitters: Pathogenic (1); Likely pathogenic (1). Last evaluated 2025-04-07.

Conditions:
Hereditary cancer-predisposing syndrome. Also called: Neoplastic Syndromes, Hereditary; Tumor predisposition; Hereditary Cancer Syndrome; Hereditary neoplastic syndrome. Identifiers: Orphanet 140162, MedGen C0027672, MeSH D009386, MONDO:0015356.

Submissions (2):

Quest Diagnostics Nichols Institute San Juan Capistrano
Classification: Likely pathogenic. Last evaluated: 2025-04-07. Review status: criteria provided, single submitter. Criteria: Quest Diagnostics criteria. Collection method: clinical testing. Allele origin: unknown.
Comment: The BRCA1 c.4022delinsGGACC (p.Val1341Glyfs*5) variant alters the translational reading frame of the BRCA1 mRNA and is predicted to cause the premature termination of BRCA1 protein synthesis. This variant has not been reported in individuals with BRCA1-related conditions in the published literature. This variant has not been reported in large, multi-ethnic general populations (Genome Aggregation Database). Based on the available information, this variant is classified as likely pathogenic.

Color Diagnostics, LLC DBA Color Health
Classification: Pathogenic for Hereditary cancer-predisposing syndrome. Last evaluated: 2020-03-12. Review status: criteria provided, single submitter. Criteria: ACMG Guidelines, 2015. Collection method: clinical testing. Allele origin: germline.
Comment: This variant is located in the BRCA1 protein. Splice site prediction tools suggest that this variant may not impact RNA splicing. To our knowledge, functional studies have not been reported for this variant. This variant has not been reported in individuals affected with hereditary cancer in the literature. This variant has not been identified in the general population by the Genome Aggregation Database (gnomAD). Loss of BRCA1 function is a known mechanism of disease. Based on the available evidence, this variant is classified as Pathogenic.